The following is an entry in ClinVar:

NM_139319.3(SLC17A8):c.*480C>T

Gene: SLC17A8 (solute carrier family 17 member 8; plus strand). Cytogenetic location: 12q23.1.
Variant type: single nucleotide variant.
Coding change: c.*480C>T on transcript NM_139319.3 (MANE Select); 480 bases downstream of the stop codon, C replaced by T.
Molecular consequence: 3 prime UTR variant.
Genome position (GRCh38, 1-based): chr12:100,420,639, C>T. VCF-style: chr12-100420639-C-T. GRCh37 (hg19) VCF-style: chr12-100814417-C-T.
Other names: c.*480C>T (NM_001145288.2).
Identifiers: ClinVar variation 880690 (VCV000880690.4), dbSNP rs118030087, ClinGen allele CA242351252.
Genomic context (GRCh38, chr12:100,420,639, plus strand): 5'-CCACGTTGTGGCAGGTGCTTTATAAACACTCTTATTTAATCTCCACACCTTTATGACACA[C>T]ATTTCTTATCCCCATTTTACAACCAAGGCATCTAAAGCAACAAGAAATGAACTTGCCCAA-3'

ClinVar aggregate classification (germline): Likely benign (1 of 4 stars; one submission).

Conditions:
Autosomal dominant nonsyndromic hearing loss 25. Identifiers: Orphanet 90635, MedGen C1854158, MONDO:0011568, OMIM 605583.

Allele frequency attached by ClinVar (database versions not stated): 1000 Genomes Project 0.00080; 1000 Genomes Project 30x 0.00109; gnomAD exomes 0.00324; TOPMed 0.00351; gnomAD 0.00380 and 0.00394.
gnomAD v4.1: 605 of 162,896 alleles (0.37%); highest among the groups gnomAD compares: Non-Finnish European, 0.63%; no homozygotes.

Submission:

Illumina Laboratory Services, Illumina
Classification: Likely benign for Autosomal dominant nonsyndromic hearing loss 25. Last evaluated: 2018-01-13. Review status: criteria provided, single submitter. Criteria: ICSL Variant Classification Criteria 13 December 2019. Collection method: clinical testing. Allele origin: germline.
Comment: This variant was observed in the ICSL laboratory as part of a predisposition screen in an ostensibly healthy population. It had not been previously curated by ICSL or reported in the Human Gene Mutation Database (HGMD: prior to June 1st, 2018), and was therefore a candidate for classification through an automated scoring system. Utilizing variant allele frequency, disease prevalence and penetrance estimates, and inheritance mode, an automated score was calculated to assess if this variant is too frequent to cause the disease. Based on the score and internal cut-off values, a variant classified as likely benign is not then subjected to further curation. The score for this variant resulted in a classification of likely benign for this disease.